The following is an entry in ClinVar:

NM_001349253.2(SCN11A):c.1433A>G (p.Gln478Arg)

Gene: SCN11A (sodium voltage-gated channel alpha subunit 11; minus strand). Cytogenetic location: 3p22.2.
Variant type: single nucleotide variant.
Coding change: c.1433A>G on transcript NM_001349253.2 (MANE Select); coding-DNA position 1433, A replaced by G.
Protein change: p.Gln478Arg; replaces glutamine 478 with arginine.
Molecular consequence: missense variant.
Genome position (GRCh38, 1-based): chr3:38,907,989, T>C on the plus strand (A>G on the coding strand, the complement: SCN11A is on the minus strand). VCF-style: chr3-38907989-T-C. GRCh37 (hg19) VCF-style: chr3-38949480-T-C.
Other names: c.1433A>G, p.Gln478Arg (NM_014139.3); short protein forms Q478R.
Identifiers: ClinVar variation 2126191 (VCV002126191.4), dbSNP rs2470595050, ClinGen allele CA352166586.
Genomic context (GRCh38, chr3:38,907,989, plus strand): 5'-ATTCCCTGGAAAAGACTTACCTTTTTTTGGCAATCTTCATCAGAATCTGACCCAGGAGGC[T>C]GGTCTTTCCCAGACTCTCTCAAAAAGAAGGACTTCCTTTTCTTATTACCAAAGAGCTTTC-3'
Protein context (NP_001336182.1, residues 468-488): SFFLRESGKD[Gln478Arg]PPGSDSDEDC

ClinVar aggregate classification (germline): Uncertain significance (1 of 4 stars; one submission).

Conditions:
Familial episodic pain syndrome with predominantly lower limb involvement. Also called: Episodic pain syndrome, familial, 3. Identifiers: Orphanet 391384, Orphanet 391392, MedGen C3809899, MONDO:0014247, OMIM 615552.
Hereditary sensory and autonomic neuropathy type 7. Also called: HSAN VII; Neuropathy, hereditary sensory and autonomic, type VII. Identifiers: Orphanet 391397, MedGen C3809882, MONDO:0014244, OMIM 615548.

Submission:

Labcorp Genetics (formerly Invitae), Labcorp
Classification: Uncertain significance for Familial episodic pain syndrome with predominantly lower limb involvement; Hereditary sensory and autonomic neuropathy type 7. Last evaluated: 2022-05-13. Review status: criteria provided, single submitter. Criteria: Invitae Variant Classification Sherloc (09022015). Collection method: clinical testing. Allele origin: germline.
Comment: In summary, the available evidence is currently insufficient to determine the role of this variant in disease. Therefore, it has been classified as a Variant of Uncertain Significance. Algorithms developed to predict the effect of missense changes on protein structure and function output the following: SIFT: "Tolerated"; PolyPhen-2: "Benign"; Align-GVGD: "Class C0". The arginine amino acid residue is found in multiple mammalian species, which suggests that this missense change does not adversely affect protein function. This variant has not been reported in the literature in individuals affected with SCN11A-related conditions. This variant is not present in population databases (gnomAD no frequency). This sequence change replaces glutamine, which is neutral and polar, with arginine, which is basic and polar, at codon 478 of the SCN11A protein (p.Gln478Arg).